The following is an entry in ClinVar:

NM_005475.3(SH2B3):c.356G>A (p.Arg119His)

Gene: SH2B3 (SH2B adaptor protein 3; plus strand). Cytogenetic location: 12q24.12.
Variant type: single nucleotide variant.
Coding change: c.356G>A on transcript NM_005475.3 (MANE Select); coding-DNA position 356, G replaced by A.
Protein change: p.Arg119His; replaces arginine 119 with histidine.
Molecular consequence: missense variant.
Genome position (GRCh38, 1-based): chr12:111,418,501, G>A. VCF-style: chr12-111418501-G-A. GRCh37 (hg19) VCF-style: chr12-111856305-G-A.
Other names: short protein forms R119H.
Identifiers: ClinVar variation 3440738 (VCV003440738.1).

ClinVar aggregate classification (germline): Uncertain significance (1 of 4 stars; one submission).

Conditions:
Inborn genetic diseases. Identifiers: MedGen C0950123, MeSH D030342.

gnomAD v4.1: 13 of 1,379,910 alleles (0.00094%); highest among the groups gnomAD compares: South Asian, 0.0015%; no homozygotes.

Submission:

Ambry Genetics
Classification: Uncertain significance for Inborn genetic diseases. Last evaluated: 2024-11-18. Review status: criteria provided, single submitter. Criteria: Ambry Variant Classification Scheme 2023. Collection method: clinical testing. Allele origin: germline.
Comment: The p.R119H variant (also known as c.356G>A), located in coding exon 1 of the SH2B3 gene, results from a G to A substitution at nucleotide position 356. The arginine at codon 119 is replaced by histidine, an amino acid with highly similar properties. This amino acid position is conserved. In addition, this alteration is predicted to be tolerated by in silico analysis. Based on the available evidence, the clinical significance of this variant remains unclear.